The following is an entry in ClinVar:

ClinVar aggregate classification (germline): Likely benign. Review status: criteria provided, multiple submitters, no conflicts (2 of 4 stars). 2 submissions from 2 submitters: Likely benign (2). Last evaluated 2026-08-01.

Allele frequency attached by ClinVar (database versions not stated): ExAC 0.00001.
gnomAD v4.1: 33 of 1,614,192 alleles (0.002%); highest among the groups gnomAD compares: Middle Eastern, 0.016%; no homozygotes.

Submissions (2):

CeGaT Center for Human Genetics Tuebingen
Classification: Likely benign. Last evaluated: 2026-08-01. Review status: criteria provided, single submitter. Criteria: CeGaT Center For Human Genetics Tuebingen Variant Classification Criteria Version 2. Collection method: clinical testing. Allele origin: germline. Affected: yes. Observed: 1 variant allele.
Comment: KANK1: BP4, BP7

Labcorp Genetics (formerly Invitae), Labcorp
Classification: Likely benign. Last evaluated: 2018-12-14. Review status: criteria provided, single submitter. Criteria: Invitae Variant Classification Sherloc (09022015). Collection method: clinical testing. Allele origin: germline.

NM_015158.5(KANK1):c.978G>A (p.Ala326=)

Gene: KANK1 (KN motif and ankyrin repeat domains 1; plus strand). Cytogenetic location: 9p24.3.
Variant type: single nucleotide variant.
Coding change: c.978G>A on transcript NM_015158.5 (MANE Select); coding-DNA position 978, G replaced by A.
Protein change: p.Ala326=; no amino-acid change (alanine 326 retained).
Molecular consequence: synonymous variant. On other transcripts: non-coding transcript variant (1).
Genome position (GRCh38, 1-based): chr9:711,744, G>A. VCF-style: chr9-711744-G-A. GRCh37 (hg19) VCF-style: chr9-711744-G-A.
Other names: c.978G>A, p.Ala326= (NM_001256876.3, NM_001256877.3, NM_001354331.2 and 2 more transcripts); c.504G>A, p.Ala168= (NM_001354333.2, NM_001354335.2, NM_001354336.2 and 9 more transcripts).
Identifiers: ClinVar variation 798872 (VCV000798872.4), dbSNP rs752770641, ClinGen allele CA4960088.
Genomic context (GRCh38, chr9:711,744, plus strand): 5'-AAACCAAAGGGCTGCATCCCAGATCAATGTCTGTGGTGTGAGGAAGCGGTCCTATAGTGC[G>A]GGGAACGCCTCCCAGCTGGAACAGCTCTCCCGGGCCCGAAGAAGTGGCGGGGAATTATAC-3'
Protein context (NP_055973.2, residues 316-336): VCGVRKRSYS[Ala326=]GNASQLEQLS